The following is an entry in ClinVar:

NM_002435.3(MPI):c.1125del (p.Thr376fs)

Gene: MPI (mannose phosphate isomerase; plus strand). Cytogenetic location: 15q24.1.
Variant type: Deletion.
Coding change: c.1125del on transcript NM_002435.3 (MANE Select); coding-DNA position 1125, one base deleted (G; older notation c.1125delG).
Protein change: p.Thr376fs; shifts the reading frame from threonine 376.
Molecular consequence: frameshift variant. On other transcripts: 3 prime UTR variant (1).
Genome position (GRCh38, 1-based): chr15:74,897,583, G deleted; the last of 4 consecutive G bases (chr15:74,897,580-74,897,583); deleting any one gives the same sequence. VCF-style (leftmost placement, unchanged base first): chr15-74897579-AG-A. GRCh37 (hg19) VCF-style: chr15-75189920-AG-A.
Other names: c.*52del (NM_001289155.2); c.975del, p.Thr326fs (NM_001289156.2); c.942del, p.Thr315fs (NM_001289157.2); c.1065del, p.Thr356fs (NM_001330372.2); short protein forms T315fs, T326fs, T356fs, T376fs.
Identifiers: ClinVar variation 4815031 (VCV004815031.1).

ClinVar aggregate classification (germline): Likely pathogenic (1 of 4 stars; one submission).

Conditions:
MPI-congenital disorder of glycosylation. Also called: CONGENITAL DISORDER OF GLYCOSYLATION, TYPE Ib; CDG Ib; MANNOSEPHOSPHATE ISOMERASE DEFICIENCY; PROTEIN-LOSING ENTEROPATHY-HEPATIC FIBROSIS SYNDROME; MPI-CDG; MPI DEFICIENCY. Identifiers: Orphanet 79319, MedGen C1865145, MONDO:0011257, OMIM 602579.

Submission:

Natera, Inc.
Classification: Likely pathogenic for Congenital disorder of glycosylation type 1b. Last evaluated: 2024-04-01. Review status: criteria provided, single submitter. Criteria: Natera Variant Classification Schema (03/2026). Collection method: clinical testing. Allele origin: germline.
Comment: The c.1125delG variant in MPI is a frameshift variant predicted to shift the reading frame beginning at codon 376 and leads to a stop codon 2 codons downstream. This variant is expected to result in nonsense mediated decay, truncation, or a dysfunctional protein product. This variant is rare in the general population with a frequency below the threshold expected for the associated phenotype(s). Given the available evidence, this variant is classified as Likely Pathogenic.